The following is an entry in ClinVar:

NM_004646.4(NPHS1):c.1727T>C (p.Val576Ala)

Gene: NPHS1 (NPHS1 adhesion molecule, nephrin; minus strand). Cytogenetic location: 19q13.12.
Variant type: single nucleotide variant.
Coding change: c.1727T>C on transcript NM_004646.4 (MANE Select); coding-DNA position 1727, T replaced by C.
Protein change: p.Val576Ala; replaces valine 576 with alanine.
Molecular consequence: missense variant.
Genome position (GRCh38, 1-based): chr19:35,845,699, A>G on the plus strand (T>C on the coding strand, the complement: NPHS1 is on the minus strand). VCF-style: chr19-35845699-A-G. GRCh37 (hg19) VCF-style: chr19-36336601-A-G.
Other names: short protein forms V576A.
Identifiers: ClinVar variation 1436567 (VCV001436567.3), dbSNP rs757670920, ClinGen allele CA9390355.

ClinVar aggregate classification (germline): Uncertain significance (1 of 4 stars; one submission).

Allele frequency attached by ClinVar (database versions not stated): ExAC 0.00001; gnomAD 0.00001; gnomAD exomes 0.00001 and 0.00002; TOPMed 0.00002.

Submission:

Labcorp Genetics (formerly Invitae), Labcorp
Classification: Uncertain significance. Last evaluated: 2021-11-16. Review status: criteria provided, single submitter. Criteria: Invitae Variant Classification Sherloc (09022015). Collection method: clinical testing. Allele origin: germline.
Comment: This sequence change replaces valine, which is neutral and non-polar, with alanine, which is neutral and non-polar, at codon 576 of the NPHS1 protein (p.Val576Ala). This variant is present in population databases (rs757670920, gnomAD 0.004%). This variant has not been reported in the literature in individuals affected with NPHS1-related conditions. Advanced modeling of protein sequence and biophysical properties (such as structural, functional, and spatial information, amino acid conservation, physicochemical variation, residue mobility, and thermodynamic stability) performed at Invitae indicates that this missense variant is not expected to disrupt NPHS1 protein function. In summary, the available evidence is currently insufficient to determine the role of this variant in disease. Therefore, it has been classified as a Variant of Uncertain Significance.